The following is an entry in ClinVar:

NM_052876.4(NACC1):c.540C>T (p.Pro180=)

Gene: NACC1 (nucleus accumbens associated 1; plus strand). Cytogenetic location: 19p13.13.
Variant type: single nucleotide variant.
Coding change: c.540C>T on transcript NM_052876.4 (MANE Select); coding-DNA position 540, C replaced by T.
Protein change: p.Pro180=; no amino-acid change (proline 180 retained).
Molecular consequence: synonymous variant.
Genome position (GRCh38, 1-based): chr19:13,135,747, C>T. VCF-style: chr19-13135747-C-T. GRCh37 (hg19) VCF-style: chr19-13246561-C-T.
Identifiers: ClinVar variation 729621 (VCV000729621.14), dbSNP rs141396248, ClinGen allele CA9238290.

ClinVar aggregate classification (germline): Benign/Likely benign. Review status: criteria provided, multiple submitters, no conflicts (2 of 4 stars). 4 submissions from 4 submitters: Benign (2); Likely benign (1). 1 of the submissions does not count toward it. Last evaluated 2026-02-03.

Conditions:
NACC1-related disorder. Also called: NACC1-related condition.

Allele frequency attached by ClinVar (database versions not stated): gnomAD 0.00112 and 0.00143; TOPMed 0.00146; gnomAD exomes 0.00282; 1000 Genomes Project 30x 0.00437; ExAC 0.00440; 1000 Genomes Project 0.00499.

Submissions (4):

Labcorp Genetics (formerly Invitae), Labcorp
Classification: Benign. Last evaluated: 2026-02-03. Review status: criteria provided, single submitter. Criteria: Invitae Variant Classification Sherloc (09022015). Collection method: clinical testing. Allele origin: germline.

Blueprint Genetics
Classification: Likely benign. Last evaluated: 2024-11-14. Review status: criteria provided, single submitter. Criteria: ACMG Guidelines, 2015. Collection method: clinical testing. Allele origin: germline.

Breakthrough Genomics
Classification: Benign. Review status: criteria provided, single submitter. Criteria: ACMG Guidelines, 2015. Collection method: not provided. Allele origin: germline. Inheritance: Autosomal dominant inheritance. Affected: yes.

PreventionGenetics, part of Exact Sciences
Classification: Benign for NACC1-related condition. Last evaluated: 2019-06-26. Review status: no assertion criteria provided. Collection method: clinical testing. Allele origin: germline. Not counted in ClinVar's aggregate classification.
Comment: This variant is classified as benign based on ACMG/AMP sequence variant interpretation guidelines (Richards et al. 2015 PMID: 25741868, with internal and published modifications).